The following is an entry in ClinVar:

ClinVar aggregate classification (germline): Uncertain significance (1 of 4 stars; one submission).

Conditions:
Severe combined immunodeficiency due to DNA-PKcs deficiency. Also called: Immunodeficiency 26 with or without neurologic abnormalities; IMMUNODEFICIENCY 26 WITH NEUROLOGIC ABNORMALITIES. Identifiers: Orphanet 317425, MedGen C4014833, MONDO:0014423, OMIM 615966.

Allele frequency attached by ClinVar (database versions not stated): gnomAD exomes below 0.00001.
gnomAD v4.1: 1 of 1,574,802 alleles (0.000064%); highest among the groups gnomAD compares: Non-Finnish European, 0.000086%; no homozygotes.

Submission:

Labcorp Genetics (formerly Invitae), Labcorp
Classification: Uncertain significance for Severe combined immunodeficiency due to DNA-PKcs deficiency. Last evaluated: 2022-01-26. Review status: criteria provided, single submitter. Criteria: Invitae Variant Classification Sherloc (09022015). Collection method: clinical testing. Allele origin: germline.
Comment: The frequency data for this variant in the population databases is considered unreliable, as metrics indicate poor data quality at this position in the gnomAD database. This sequence change replaces glutamic acid, which is acidic and polar, with lysine, which is basic and polar, at codon 3745 of the PRKDC protein (p.Glu3745Lys). This variant has not been reported in the literature in individuals affected with PRKDC-related conditions. Experimental studies and prediction algorithms are not available or were not evaluated, and the functional significance of this variant is currently unknown. In summary, the available evidence is currently insufficient to determine the role of this variant in disease. Therefore, it has been classified as a Variant of Uncertain Significance.

NM_006904.7(PRKDC):c.11233G>A (p.Glu3745Lys)

Gene: PRKDC (protein kinase, DNA-activated, catalytic subunit; minus strand). Cytogenetic location: 8q11.21.
Variant type: single nucleotide variant.
Coding change: c.11233G>A on transcript NM_006904.7 (MANE Select); coding-DNA position 11233, G replaced by A.
Protein change: p.Glu3745Lys; replaces glutamic acid 3745 with lysine.
Molecular consequence: missense variant.
Genome position (GRCh38, 1-based): chr8:47,782,541, C>T on the plus strand (G>A on the coding strand, the complement: PRKDC is on the minus strand). VCF-style: chr8-47782541-C-T. GRCh37 (hg19) VCF-style: chr8-48695102-C-T.
Other names: c.11233G>A, p.Glu3745Lys (NM_001081640.2); short protein forms E3745K.
Identifiers: ClinVar variation 1989512 (VCV001989512.4), dbSNP rs866939540, ClinGen allele CA371130130.